The following is an entry in ClinVar:

NM_012330.4(KAT6B):c.185A>G (p.Lys62Arg)

Gene: KAT6B (lysine acetyltransferase 6B; plus strand). Cytogenetic location: 10q22.2.
Variant type: single nucleotide variant.
Coding change: c.185A>G on transcript NM_012330.4 (MANE Select); coding-DNA position 185, A replaced by G.
Protein change: p.Lys62Arg; replaces lysine 62 with arginine.
Molecular consequence: missense variant. On other transcripts: 5 prime UTR variant (2).
Genome position (GRCh38, 1-based): chr10:74,843,042, A>G. VCF-style: chr10-74843042-A-G. GRCh37 (hg19) VCF-style: chr10-76602800-A-G.
Other names: c.185A>G, p.Lys62Arg (NM_001370137.1, NM_001370138.1, NM_001370139.1 and 10 more transcripts); c.-354A>G (NM_001370134.1, NM_001370135.1); short protein forms K62R.
Identifiers: ClinVar variation 4738443 (VCV004738443.1).

ClinVar aggregate classification (germline): Uncertain significance (1 of 4 stars; one submission).

Conditions:
Genitopatellar syndrome (GTPTS). Also called: ABSENT PATELLAE, SCROTAL HYPOPLASIA, RENAL ANOMALIES, FACIAL DYSMORPHISM, AND MENTAL RETARDATION; Genitopatellar syndrome (GPS). Identifiers: Orphanet 85201, MedGen C1853566, MONDO:0011640, OMIM 606170.

Submission:

Labcorp Genetics (formerly Invitae), Labcorp
Classification: Uncertain significance for Genitopatellar syndrome. Last evaluated: 2025-03-19. Review status: criteria provided, single submitter. Criteria: Invitae Variant Classification Sherloc (09022015). Collection method: clinical testing. Allele origin: germline.
Comment: This sequence change replaces lysine, which is basic and polar, with arginine, which is basic and polar, at codon 62 of the KAT6B protein (p.Lys62Arg). This variant is not present in population databases (gnomAD no frequency). This variant has not been reported in the literature in individuals affected with KAT6B-related conditions. Invitae Evidence Modeling of protein sequence and biophysical properties (such as structural, functional, and spatial information, amino acid conservation, physicochemical variation, residue mobility, and thermodynamic stability) has been performed for this missense variant. However, the output from this modeling did not meet the statistical confidence thresholds required to predict the impact of this variant on KAT6B protein function. In summary, the available evidence is currently insufficient to determine the role of this variant in disease. Therefore, it has been classified as a Variant of Uncertain Significance.